The following is an entry in ClinVar:

ClinVar aggregate classification (germline): Likely benign. Review status: criteria provided, multiple submitters, no conflicts (2 of 4 stars). 2 submissions from 2 submitters: Likely benign (2). Last evaluated 2024-03-07.

Allele frequency attached by ClinVar (database versions not stated): gnomAD 0.00001; ExAC 0.00002; TOPMed 0.00002; gnomAD exomes 0.00003.
gnomAD v4.1: 23 of 1,596,330 alleles (0.0014%); highest among the groups gnomAD compares: Non-Finnish European, 0.0018%; no homozygotes.

Submissions (2):

Labcorp Genetics (formerly Invitae), Labcorp
Classification: Likely benign. Last evaluated: 2024-03-07. Review status: criteria provided, single submitter. Criteria: Invitae Variant Classification Sherloc (09022015). Collection method: clinical testing. Allele origin: germline.

Laboratory for Molecular Medicine, Mass General Brigham Personalized Medicine
Classification: Likely benign. Last evaluated: 2012-08-07. Review status: criteria provided, single submitter. Criteria: LMM Criteria. Collection method: clinical testing. Allele origin: germline. Observed: 1 variant allele.
Comment: 227+12A>G in intron 3 of OTOF: This variant is not expected to have clinical sig nificance because it is not located within the conserved region of the splice co nsensus sequence.

NM_194248.3(OTOF):c.227+12A>G

Gene: OTOF (otoferlin; minus strand). Cytogenetic location: 2p23.3.
Variant type: single nucleotide variant.
Coding change: c.227+12A>G on transcript NM_194248.3 (MANE Select); 12 bases into the intron after coding-DNA position 227, A replaced by G.
Molecular consequence: intron variant.
Genome position (GRCh38, 1-based): chr2:26,527,820, T>C on the plus strand (A>G on the coding strand, the complement: OTOF is on the minus strand). VCF-style: chr2-26527820-T-C. GRCh37 (hg19) VCF-style: chr2-26750688-T-C.
Other names: c.227+12A>G (NM_001287489.2).
Identifiers: ClinVar variation 48192 (VCV000048192.8), dbSNP rs397517938, ClinGen allele CA142792.